The following is an entry in ClinVar:

NM_003579.4(RAD54L):c.1813G>A (p.Ala605Thr)

Gene: RAD54L (RAD54 like; plus strand). Cytogenetic location: 1p34.1.
Variant type: single nucleotide variant.
Coding change: c.1813G>A on transcript NM_003579.4 (MANE Select); coding-DNA position 1813, G replaced by A.
Protein change: p.Ala605Thr; replaces alanine 605 with threonine.
Molecular consequence: missense variant.
Genome position (GRCh38, 1-based): chr1:46,274,661, G>A. VCF-style: chr1-46274661-G-A. GRCh37 (hg19) VCF-style: chr1-46740333-G-A.
Other names: c.1813G>A, p.Ala605Thr (NM_001142548.2); c.1273G>A, p.Ala425Thr (NM_001370766.1); short protein forms A425T, A605T.
Identifiers: ClinVar variation 2562786 (VCV002562786.2), dbSNP rs2148303480, ClinGen allele CA340186116.
Genomic context (GRCh38, chr1:46,274,661, plus strand): 5'-GCTAACCGGCTGGTCATGTTTGACCCTGACTGGAACCCAGCCAATGATGAACAAGCCATG[G>A]CCCGGGTCTGGCGAGATGGTCAAAAGAAGACTTGCTATATCTACCGCCTGCTGTCTGTAA-3'
Protein context (NP_003570.2, residues 595-615): WNPANDEQAM[Ala605Thr]RVWRDGQKKT

ClinVar aggregate classification (germline): Uncertain significance (1 of 4 stars; one submission).

Submission:

Ambry Genetics
Classification: Uncertain significance. Last evaluated: 2023-03-26. Review status: criteria provided, single submitter. Criteria: Ambry Variant Classification Scheme 2023. Collection method: clinical testing. Allele origin: germline.
Comment: The p.A605T variant (also known as c.1813G>A), located in coding exon 16 of the RAD54L gene, results from a G to A substitution at nucleotide position 1813. The alanine at codon 605 is replaced by threonine, an amino acid with similar properties. This amino acid position is conserved. In addition, this alteration is predicted to be deleterious by in silico analysis. Since supporting evidence is limited at this time, the clinical significance of this alteration remains unclear.